The following is an entry in ClinVar:

ClinVar aggregate classification (germline): Uncertain significance (1 of 4 stars; one submission).

Conditions:
Developmental and epileptic encephalopathy, 9 (DEE9). Also called: Early infantile epileptic encephalopathy 9; JUBERG-HELLMAN SYNDROME; EPILEPSY, FEMALE-RESTRICTED, WITH MENTAL RETARDATION; PCDH19-Related X-Linked Female-Limited Epilepsy with Mental Retardation. Identifiers: Orphanet 101039, Orphanet 2076, MedGen C1848137, MONDO:0010246, OMIM 300088. Disease mechanism: loss of function.

Submission:

Labcorp Genetics (formerly Invitae), Labcorp
Classification: Uncertain significance for Developmental and epileptic encephalopathy, 9. Last evaluated: 2022-07-05. Review status: criteria provided, single submitter. Criteria: Invitae Variant Classification Sherloc (09022015). Collection method: clinical testing. Allele origin: germline.
Comment: In summary, the available evidence is currently insufficient to determine the role of this variant in disease. Therefore, it has been classified as a Variant of Uncertain Significance. Advanced modeling of protein sequence and biophysical properties (such as structural, functional, and spatial information, amino acid conservation, physicochemical variation, residue mobility, and thermodynamic stability) performed at Invitae indicates that this missense variant is expected to disrupt PCDH19 protein function. ClinVar contains an entry for this variant (Variation ID: 573321). This variant has not been reported in the literature in individuals affected with PCDH19-related conditions. This variant is not present in population databases (gnomAD no frequency). This sequence change replaces glycine, which is neutral and non-polar, with arginine, which is basic and polar, at codon 770 of the PCDH19 protein (p.Gly770Arg).

NM_001184880.2(PCDH19):c.2308G>C (p.Gly770Arg)

Genes: PCDH19 (protocadherin 19; minus strand), LOC125467768 (CDK7 strongly-dependent group 2 enhancer GRCh37_chrX:99657381-99658580; plus strand). Cytogenetic location: Xq22.1.
Variant type: single nucleotide variant.
Coding change: c.2308G>C on transcript NM_001184880.2 (MANE Select); coding-DNA position 2308, G replaced by C.
Protein change: p.Gly770Arg; replaces glycine 770 with arginine.
Molecular consequence: missense variant.
Genome position (GRCh38, 1-based): chrX:100,402,832, C>G on the plus strand (G>C on the coding strand, the complement: PCDH19 is on the minus strand). VCF-style: chrX-100402832-C-G. GRCh37 (hg19) VCF-style: chrX-99657830-C-G.
Other names: c.2167G>C, p.Gly723Arg (NM_001105243.2, NM_020766.3); short protein forms G770R, G723R.
Identifiers: ClinVar variation 573321 (VCV000573321.9), dbSNP rs1036691760, ClinGen allele CA414006365.